The following is an entry in ClinVar:

NM_002184.4(IL6ST):c.2023A>G (p.Asn675Asp)

Gene: IL6ST (interleukin 6 cytokine family signal transducer; minus strand). Cytogenetic location: 5q11.2.
Variant type: single nucleotide variant.
Coding change: c.2023A>G on transcript NM_002184.4 (MANE Select); coding-DNA position 2023, A replaced by G.
Protein change: p.Asn675Asp; replaces asparagine 675 with aspartic acid.
Molecular consequence: missense variant. On other transcripts: 3 prime UTR variant (1), non-coding transcript variant (2).
Genome position (GRCh38, 1-based): chr5:55,941,816, T>C on the plus strand (A>G on the coding strand, the complement: IL6ST is on the minus strand). VCF-style: chr5-55941816-T-C. GRCh37 (hg19) VCF-style: chr5-55237644-T-C.
Other names: c.2023A>G (NM_002184.3); c.1840A>G, p.Asn614Asp (NM_001190981.2); c.1921A>G, p.Asn641Asp (NM_001364275.2); c.1813A>G, p.Asn605Asp (NM_001364276.2); c.1156A>G, p.Asn386Asp (NM_001364277.2); c.1120A>G, p.Asn374Asp (NM_001364278.2); c.1027A>G, p.Asn343Asp (NM_001364279.2); c.*950A>G (NM_175767.3); short protein forms N343D, N386D, N374D, N605D, N614D, N641D, N675D.
Identifiers: ClinVar variation 1448598 (VCV001448598.9), dbSNP rs773371617, ClinGen allele CA3271211.

ClinVar aggregate classification (germline): Uncertain significance. Review status: criteria provided, multiple submitters, no conflicts (2 of 4 stars). 2 submissions from 2 submitters: Uncertain significance (2). Last evaluated 2024-10-28.

Allele frequency attached by ClinVar (database versions not stated): ExAC 0.00002; gnomAD exomes 0.00002 and 0.00003; TOPMed 0.00002; gnomAD 0.00004.
gnomAD v4.1: 47 of 1,607,344 alleles (0.0029%); highest among the groups gnomAD compares: Non-Finnish European, 0.004%; no homozygotes.

Submissions (2):

Labcorp Genetics (formerly Invitae), Labcorp
Classification: Uncertain significance. Last evaluated: 2024-10-28. Review status: criteria provided, single submitter. Criteria: Invitae Variant Classification Sherloc (09022015). Collection method: clinical testing. Allele origin: germline.
Comment: This sequence change replaces asparagine, which is neutral and polar, with aspartic acid, which is acidic and polar, at codon 675 of the IL6ST protein (p.Asn675Asp). This variant is present in population databases (rs773371617, gnomAD 0.01%). This variant has not been reported in the literature in individuals affected with IL6ST-related conditions. ClinVar contains an entry for this variant (Variation ID: 1448598). An algorithm developed to predict the effect of missense changes on protein structure and function (PolyPhen-2) suggests that this variant is likely to be tolerated. In summary, the available evidence is currently insufficient to determine the role of this variant in disease. Therefore, it has been classified as a Variant of Uncertain Significance.

Ambry Genetics
Classification: Uncertain significance. Last evaluated: 2023-12-15. Review status: criteria provided, single submitter. Criteria: Ambry Variant Classification Scheme 2023. Collection method: clinical testing. Allele origin: germline.